The following is an entry in ClinVar:

ClinVar aggregate classification (germline): Uncertain significance (1 of 4 stars; one submission).

Allele frequency attached by ClinVar (database versions not stated): gnomAD exomes 0.00001; TOPMed 0.00002; gnomAD 0.00004.
gnomAD v4.1: 7 of 1,580,194 alleles (0.00044%); highest among the groups gnomAD compares: African/African-American, 0.0094%; no homozygotes.

Submission:

Labcorp Genetics (formerly Invitae), Labcorp
Classification: Uncertain significance. Last evaluated: 2022-02-03. Review status: criteria provided, single submitter. Criteria: Invitae Variant Classification Sherloc (09022015). Collection method: clinical testing. Allele origin: germline.
Comment: This sequence change replaces lysine, which is basic and polar, with glutamine, which is neutral and polar, at codon 679 of the SZT2 protein (p.Lys679Gln). This variant is present in population databases (rs776573650, gnomAD 0.02%). This variant has not been reported in the literature in individuals affected with SZT2-related conditions. Algorithms developed to predict the effect of missense changes on protein structure and function (SIFT, PolyPhen-2, Align-GVGD) all suggest that this variant is likely to be tolerated. In summary, the available evidence is currently insufficient to determine the role of this variant in disease. Therefore, it has been classified as a Variant of Uncertain Significance.

NM_001365999.1(SZT2):c.2035A>C (p.Lys679Gln)

Gene: SZT2 (SZT2 subunit of KICSTOR complex; plus strand). Cytogenetic location: 1p34.2.
Variant type: single nucleotide variant.
Coding change: c.2035A>C on transcript NM_001365999.1 (MANE Select); coding-DNA position 2035, A replaced by C.
Protein change: p.Lys679Gln; replaces lysine 679 with glutamine.
Molecular consequence: missense variant.
Genome position (GRCh38, 1-based): chr1:43,422,881, A>C. VCF-style: chr1-43422881-A-C. GRCh37 (hg19) VCF-style: chr1-43888552-A-C.
Other names: c.2035A>C, p.Lys679Gln (NM_015284.4); short protein forms K679Q.
Identifiers: ClinVar variation 1443094 (VCV001443094.5), dbSNP rs776573650, ClinGen allele CA808590.